The following is an entry in ClinVar:

NM_000268.4(NF2):c.509C>T (p.Pro170Leu)

Gene: NF2 (NF2, moesin-ezrin-radixin like (MERLIN) tumor suppressor; plus strand). Cytogenetic location: 22q12.2.
Variant type: single nucleotide variant.
Coding change: c.509C>T on transcript NM_000268.4 (MANE Select); coding-DNA position 509, C replaced by T.
Protein change: p.Pro170Leu; replaces proline 170 with leucine.
Molecular consequence: missense variant. On other transcripts: non-coding transcript variant (1), intron variant (1).
Genome position (GRCh38, 1-based): chr22:29,654,718, C>T. VCF-style: chr22-29654718-C-T. GRCh37 (hg19) VCF-style: chr22-30050707-C-T.
Other names: c.395C>T, p.Pro132Leu (NM_001407053.1, NM_001407056.1); c.386C>T, p.Pro129Leu (NM_001407054.1, NM_001407058.1, NM_001407062.1 and 1 more transcripts); c.383C>T, p.Pro128Leu (NM_001407055.1, NM_181828.3); c.509C>T, p.Pro170Leu (NM_001407057.1, NM_001407059.1, NM_001407060.1 and 4 more transcripts); c.260C>T, p.Pro87Leu (NM_001407063.1, NM_001407064.1, NM_181830.3 and 1 more transcripts); c.-132C>T (NM_001407065.1); c.278C>T, p.Pro93Leu (NM_001407067.1); c.447+12433C>T (NM_181833.3); short protein forms P128L, P129L, P132L, P170L, P87L, P93L.
Identifiers: ClinVar variation 1718276 (VCV001718276.3), dbSNP rs2146967388, ClinGen allele CA411142247.
Genomic context (GRCh38, chr22:29,654,718, plus strand): 5'-ATGGTGACTACGACCCCAGTGTTCACAAGCGGGGATTTTTGGCCCAAGAGGAATTGCTTC[C>T]AAAAAGGGTAAGAGATTAAATTCCCTTTTCAGGAAGACATAGCAGATATGTGGTCTAAAA-3'
Protein context (NP_000259.1, residues 160-180): RGFLAQEELL[Pro170Leu]KRVINLYQMT

ClinVar aggregate classification (germline): Uncertain significance (1 of 4 stars; one submission).

Conditions:
Neurofibromatosis, type 2 (SWNV). Also called: SCHWANNOMATOSIS, VESTIBULAR; NF2-Related Schwannomatosis; BILATERAL ACOUSTIC NEUROFIBROMATOSIS. Identifiers: Orphanet 637, MedGen C0027832, MONDO:0007039, OMIM 101000. Disease mechanism: loss of function.

Submission:

Labcorp Genetics (formerly Invitae), Labcorp
Classification: Uncertain significance for Neurofibromatosis, type 2. Last evaluated: 2022-08-29. Review status: criteria provided, single submitter. Criteria: Invitae Variant Classification Sherloc (09022015). Collection method: clinical testing. Allele origin: germline.
Comment: This sequence change replaces proline, which is neutral and non-polar, with leucine, which is neutral and non-polar, at codon 170 of the NF2 protein (p.Pro170Leu). This variant is not present in population databases (gnomAD no frequency). This variant has not been reported in the literature in individuals affected with NF2-related conditions. Algorithms developed to predict the effect of missense changes on protein structure and function (SIFT, PolyPhen-2, Align-GVGD) all suggest that this variant is likely to be disruptive. In summary, the available evidence is currently insufficient to determine the role of this variant in disease. Therefore, it has been classified as a Variant of Uncertain Significance.